The following is an entry in ClinVar:

ClinVar aggregate classification (germline): Uncertain significance (1 of 4 stars; one submission).

gnomAD v4.1: 1 of 695,712 alleles (0.00014%); highest among the groups gnomAD compares: East Asian, 0.0027%; no homozygotes.

Submission:

Labcorp Genetics (formerly Invitae), Labcorp
Classification: Uncertain significance. Last evaluated: 2021-05-09. Review status: criteria provided, single submitter. Criteria: Invitae Variant Classification Sherloc (09022015). Collection method: clinical testing. Allele origin: germline.
Comment: This variant has not been reported in the literature in individuals with RNU4ATAC-related conditions. Experimental studies and prediction algorithms are not available or were not evaluated, and the functional significance of this variant is currently unknown. In summary, the available evidence is currently insufficient to determine the role of this variant in disease. Therefore, it has been classified as a Variant of Uncertain Significance. The frequency data for this variant in the population databases is considered unreliable, as metrics indicate insufficient coverage at this position in the ExAC database. This variant occurs in the RNU4ATAC gene, which encodes an RNA molecule that does not result in a protein product.

NC_000002.12:g.121530901G>C

Genes: CLASP1 (cytoplasmic linker associated protein 1; minus strand), CLASP1-AS1 (CLASP1 antisense RNA 1; plus strand), RNU4ATAC (RNA, U4atac small nuclear; plus strand). Cytogenetic location: 2q14.2.
Variant type: single nucleotide variant.
Molecular consequence: intron variant (on NM_001395891.1).
Genome position: GRCh38 VCF-style: chr2-121530901-G-C. GRCh37 (hg19) VCF-style: chr2-122288477-G-C.
Other names: c.196-576C>G (NM_001142274.2, NM_015282.3, NM_001378003.1 and 5 more transcripts).
Identifiers: ClinVar variation 1496505 (VCV001496505.6), dbSNP rs879429057, ClinGen allele CA54810784.